The following is an entry in ClinVar:

NM_001943.5(DSG2):c.1308T>A (p.Asn436Lys)

Gene: DSG2 (desmoglein 2; plus strand). Cytogenetic location: 18q12.1.
Variant type: single nucleotide variant.
Coding change: c.1308T>A on transcript NM_001943.5 (MANE Select); coding-DNA position 1308, T replaced by A.
Protein change: p.Asn436Lys; replaces asparagine 436 with lysine.
Molecular consequence: missense variant.
Genome position (GRCh38, 1-based): chr18:31,535,297, T>A. VCF-style: chr18-31535297-T-A. GRCh37 (hg19) VCF-style: chr18-29115260-T-A.
Other names: short protein forms N436K.
Identifiers: ClinVar variation 1026396 (VCV001026396.8), dbSNP rs1163162410, ClinGen allele CA402140282.

ClinVar aggregate classification (germline): Uncertain significance (1 of 4 stars; one submission).

Conditions:
Arrhythmogenic right ventricular dysplasia 10. Also called: Arrhythmogenic Right Ventricular Dysplasia/Cardiomyopathy10; Arrhythmogenic right ventricular dysplasia/cardiomyopathy, type 10; ARRHYTHMOGENIC RIGHT VENTRICULAR DYSPLASIA, FAMILIAL, 10. Identifiers: MedGen C1857777, MONDO:0012434, OMIM 610193.

Allele frequency attached by ClinVar (database versions not stated): gnomAD 0.00001; TOPMed 0.00001.
gnomAD v4.1: 1 of 1,591,630 alleles (0.000063%); highest among the groups gnomAD compares: Non-Finnish European, 0.000086%; no homozygotes.

Submission:

Labcorp Genetics (formerly Invitae), Labcorp
Classification: Uncertain significance for Arrhythmogenic right ventricular dysplasia 10. Last evaluated: 2024-01-22. Review status: criteria provided, single submitter. Criteria: Invitae Variant Classification Sherloc (09022015). Collection method: clinical testing. Allele origin: germline.
Comment: This sequence change replaces asparagine, which is neutral and polar, with lysine, which is basic and polar, at codon 436 of the DSG2 protein (p.Asn436Lys). This variant is not present in population databases (gnomAD no frequency). This variant has not been reported in the literature in individuals affected with DSG2-related conditions. ClinVar contains an entry for this variant (Variation ID: 1026396). Advanced modeling of protein sequence and biophysical properties (such as structural, functional, and spatial information, amino acid conservation, physicochemical variation, residue mobility, and thermodynamic stability) performed at Invitae indicates that this missense variant is not expected to disrupt DSG2 protein function with a negative predictive value of 95%. In summary, the available evidence is currently insufficient to determine the role of this variant in disease. Therefore, it has been classified as a Variant of Uncertain Significance.